The following is an entry in ClinVar:

NM_145331.3(MAP3K7):c.143G>A (p.Gly48Glu)

Gene: MAP3K7 (mitogen-activated protein kinase kinase kinase 7; minus strand). Cytogenetic location: 6q15.
Variant type: single nucleotide variant.
Coding change: c.143G>A on transcript NM_145331.3 (MANE Select); coding-DNA position 143, G replaced by A.
Protein change: p.Gly48Glu; replaces glycine 48 with glutamic acid.
Molecular consequence: missense variant.
Genome position (GRCh38, 1-based): chr6:90,571,785, C>T on the plus strand (G>A on the coding strand, the complement: MAP3K7 is on the minus strand). VCF-style: chr6-90571785-C-T. GRCh37 (hg19) VCF-style: chr6-91281504-C-T.
Other names: c.143G>A, p.Gly48Glu (NM_003188.4, NM_145332.3, NM_145333.3); short protein forms G48E.
Identifiers: ClinVar variation 929459 (VCV000929459.2), dbSNP rs1776911945, ClinGen allele CA365018304.
Genomic context (GRCh38, chr6:90,571,785, plus strand): 5'-TCACTTTCTATTTGTTTAATAGCAACATCTTTTGCTCTCCACTTAGCTTTGCAAACAACT[C>T]CAAAGGCTCCTCTTCCAACAACCTGAGTTAAACAAACAAACAAAAAACAAACAAAAAACA-3'
Protein context (NP_663304.1, residues 38-58): VEEVVGRGAF[Gly48Glu]VVCKAKWRAK

ClinVar aggregate classification (germline): Conflicting classifications of pathogenicity. Review status: criteria provided, conflicting classifications (1 of 4 stars). 2 submissions from 2 submitters: Likely pathogenic (1); Uncertain significance (1). Last evaluated 2023-11-22.

Conditions:
Cardiospondylocarpofacial syndrome (CSCF). Identifiers: Orphanet 3238, MedGen C2931461, MONDO:0008005, OMIM 157800.

Submissions (2):

3billion
Classification: Uncertain significance for Cardiospondylocarpofacial syndrome. Last evaluated: 2023-11-22. Review status: criteria provided, single submitter. Criteria: ACMG Guidelines, 2015. Collection method: clinical testing. Allele origin: germline. Affected: yes.
Comment: The variant is not observed in the gnomAD v2.1.1 dataset. Predicted Consequence/Location: Missense changes are a common disease-causing mechanism. In silico tool predictions suggest damaging effect of the variant on gene or gene product [REVEL: 0.96 (>=0.6, sensitivity 0.68 and specificity 0.92); 3Cnet: 0.98 (>=0.6, sensitivity 0.72 and precision 0.9)]. Same nucleotide change resulting in same amino acid change has been previously reported to be associated with MAP3K7 related disorder (ClinVar ID: VCV000929459 /PMID: 34687574). However, the evidence of pathogenicity is insufficient at this time. Therefore, this variant is classified as VUS according to the recommendation of ACMG/AMP guideline.

HudsonAlpha Institute for Biotechnology
Classification: Likely pathogenic for Cardiospondylocarpofacial syndrome. Last evaluated: 2020-04-17. Review status: criteria provided, single submitter. Criteria: ACMG Guidelines, 2015. Collection method: research. Allele origin: de novo. Affected: yes. Observed: 1 variant allele. Study: CSER-SouthSeq.
Comment: ACMG codes: PS2, PM2, PP3

Literature cited by the submitters: PubMed 34687574 (cited by 3billion).